The following is an entry in ClinVar:

ClinVar aggregate classification (germline): Pathogenic. Review status: criteria provided, multiple submitters, no conflicts (2 of 4 stars). 3 submissions from 3 submitters: Pathogenic (3). Last evaluated 2026-09-08.

Conditions:
Fabry disease. Also called: Ceramide trihexosidosis; Fabry's disease; HEREDITARY DYSTOPIC LIPIDOSIS; Angiokeratoma corporis diffusum; ALPHA-GALACTOSIDASE A DEFICIENCY; ANDERSON-FABRY DISEASE. Identifiers: Orphanet 324, MedGen C0002986, MONDO:0010526, OMIM 301500, HP:0001071. Disease mechanism: Fabry disease is due to inactivating mutations in the X-linked GLA gene resulting in deficiency of the enzyme Alpha Galactosidase-A., loss of function.

Submissions (3):

Genomenon, Inc
Classification: Pathogenic for Fabry disease. Last evaluated: 2026-09-08. Review status: criteria provided, single submitter. Criteria: Genomenon Sequence Variant Interpretation Standards - Updated. Collection method: curation. Allele origin: germline. Affected: yes.
Comment: GLA p.Asp322Glu (c.966C>G) is a missense variant that changes the amino acid at codon 322 from Aspartic acid to Glutamic acid. This variant has been observed in at least one proband with clinical features consistent with Fabry disease (PMID:20505683;28756410). Another cDNA change that causes the same protein consequence has been determined to be pathogenic or likely pathogenic. It is absent or not present at a significant frequency in gnomAD. In silico models predict that this variant is possibly or probably damaging. In conclusion, we classify GLA p.Asp322Glu (c.966C>G) as a pathogenic variant.

3billion
Classification: Pathogenic for Fabry disease. Last evaluated: 2024-10-17. Review status: criteria provided, single submitter. Criteria: ACMG Guidelines, 2015. Collection method: clinical testing. Allele origin: germline. Affected: yes.
Comment: The variant is not observed in the gnomAD v4.1.0 dataset. Predicted Consequence/Location: Missense variant Functional studies provide strong evidence of the variant having a damaging effect on the gene or gene product (PMID: 28798024). In silico tool predictions suggest damaging effect of the variant on gene or gene product [REVEL: 0.77 (>=0.6, sensitivity 0.68 and specificity 0.92); 3Cnet: 0.99 (>=0.6, sensitivity 0.72 and precision 0.9)]. The same nucleotide change resulting in the same amino acid change has been previously reported as pathogenic/likely pathogenic with strong evidence (ClinVar ID: VCV000092572 /3billion dataset). Therefore, this variant is classified as Pathogenic according to the recommendation of ACMG/AMP guideline.

Eurofins Ntd Llc (ga)
Classification: Pathogenic. Last evaluated: 2013-03-14. Review status: criteria provided, single submitter. Criteria: EGL Classification Definitions 2015. Collection method: clinical testing. Allele origin: germline. Observed: 1 variant allele, 1 heterozygote.

Literature cited by the submitters: PubMed 20505683 (cited by Genomenon, Inc); PubMed 28756410 (cited by Genomenon, Inc); PubMed 28798024 (cited by 3billion).

NM_000169.3(GLA):c.966C>G (p.Asp322Glu)

Genes: GLA (galactosidase alpha; minus strand), RPL36A-HNRNPH2 (RPL36A-HNRNPH2 readthrough; plus strand). Cytogenetic location: Xq22.1.
Variant type: single nucleotide variant.
Coding change: c.966C>G on transcript NM_000169.3 (MANE Select); coding-DNA position 966, C replaced by G.
Protein change: p.Asp322Glu; replaces aspartic acid 322 with glutamic acid.
Molecular consequence: missense variant. On other transcripts: non-coding transcript variant (3), intron variant (2).
Genome position (GRCh38, 1-based): chrX:101,398,403, G>C on the plus strand (C>G on the coding strand, the complement: GLA is on the minus strand). VCF-style: chrX-101398403-G-C. GRCh37 (hg19) VCF-style: chrX-100653391-G-C.
Other names: c.1089C>G, p.Asp363Glu (NM_001406747.1); c.966C>G, p.Asp322Glu (NM_001406748.1); c.300+2946G>C (NM_001199973.2); c.177+6581G>C (NM_001199974.2); short protein forms D363E.
Identifiers: ClinVar variation 92572 (VCV000092572.9), dbSNP rs398123226, ClinGen allele CA022225.